The following is an entry in ClinVar:

NM_139248.3(LIPH):c.857C>T (p.Thr286Met)

Gene: LIPH (lipase H; minus strand). Cytogenetic location: 3q27.2.
Variant type: single nucleotide variant.
Coding change: c.857C>T on transcript NM_139248.3 (MANE Select); coding-DNA position 857, C replaced by T.
Protein change: p.Thr286Met; replaces threonine 286 with methionine.
Molecular consequence: missense variant.
Genome position (GRCh38, 1-based): chr3:185,519,171, G>A on the plus strand (C>T on the coding strand, the complement: LIPH is on the minus strand). VCF-style: chr3-185519171-G-A. GRCh37 (hg19) VCF-style: chr3-185236959-G-A.
Other names: c.857C>T (NM_139248.2); short protein forms T286M.
Identifiers: ClinVar variation 2068914 (VCV002068914.3), dbSNP rs140565721, ClinGen allele CA2740484.

ClinVar aggregate classification (germline): Uncertain significance. Review status: criteria provided, multiple submitters, no conflicts (2 of 4 stars). 3 submissions from 3 submitters: Uncertain significance (2). 1 of the submissions does not count toward it. Last evaluated 2026-04-16.

Conditions:
LIPH-related disorder. Also called: LIPH-related condition.

Allele frequency attached by ClinVar (database versions not stated): 1000 Genomes Project 30x 0.00016; 1000 Genomes Project 0.00020; gnomAD 0.00073; TOPMed 0.00080; ExAC 0.00101; ESP Exome Variant Server 0.00115; gnomAD exomes 0.00158.
gnomAD v4.1: 2,395 of 1,613,998 alleles (0.15%); highest among the groups gnomAD compares: Non-Finnish European, 0.19%; 5 homozygotes.

Submissions (3):

GeneDx
Classification: Uncertain significance. Last evaluated: 2026-04-16. Review status: criteria provided, single submitter. Criteria: GeneDx Variant Classification Process June 2021. Collection method: clinical testing. Allele origin: germline.
Comment: In silico analysis supports that this missense variant does not alter protein structure/function; Has not been previously published as pathogenic or benign to our knowledge

Labcorp Genetics (formerly Invitae), Labcorp
Classification: Uncertain significance. Last evaluated: 2022-03-13. Review status: criteria provided, single submitter. Criteria: Invitae Variant Classification Sherloc (09022015). Collection method: clinical testing. Allele origin: germline.
Comment: This sequence change replaces threonine, which is neutral and polar, with methionine, which is neutral and non-polar, at codon 286 of the LIPH protein (p.Thr286Met). This variant is present in population databases (rs140565721, gnomAD 0.2%), and has an allele count higher than expected for a pathogenic variant. This variant has not been reported in the literature in individuals affected with LIPH-related conditions. Algorithms developed to predict the effect of missense changes on protein structure and function output the following: SIFT: "Tolerated"; PolyPhen-2: "Benign"; Align-GVGD: "Class C0". The methionine amino acid residue is found in multiple mammalian species, which suggests that this missense change does not adversely affect protein function. In summary, the available evidence is currently insufficient to determine the role of this variant in disease. Therefore, it has been classified as a Variant of Uncertain Significance.

PreventionGenetics, part of Exact Sciences
Classification: Likely benign for LIPH-related condition. Last evaluated: 2024-05-14. Review status: no assertion criteria provided. Collection method: clinical testing. Allele origin: germline. Not counted in ClinVar's aggregate classification.
Comment: This variant is classified as likely benign based on ACMG/AMP sequence variant interpretation guidelines (Richards et al. 2015 PMID: 25741868, with internal and published modifications).